The following is an entry in ClinVar:

ClinVar aggregate classification (germline): Uncertain significance (1 of 4 stars; one submission).

Conditions:
Inborn genetic diseases. Identifiers: MedGen C0950123, MeSH D030342.

Submission:

Ambry Genetics
Classification: Uncertain significance for Inborn genetic diseases. Last evaluated: 2024-12-08. Review status: criteria provided, single submitter. Criteria: Ambry Variant Classification Scheme 2023. Collection method: clinical testing. Allele origin: germline.
Comment: The p.D241E variant (also known as c.723C>A), located in coding exon 8 of the RTEL1 gene, results from a C to A substitution at nucleotide position 723. The aspartic acid at codon 241 is replaced by glutamic acid, an amino acid with highly similar properties. This amino acid position is conserved. In addition, this alteration is predicted to be tolerated by in silico analysis. Based on the available evidence, the clinical significance of this variant remains unclear.

NM_001283009.2(RTEL1):c.723C>A (p.Asp241Glu)

Genes: RTEL1 (regulator of telomere elongation helicase 1; plus strand), RTEL1-TNFRSF6B (RTEL1-TNFRSF6B readthrough (NMD candidate); plus strand). Cytogenetic location: 20q13.33.
Variant type: single nucleotide variant.
Coding change: c.723C>A on transcript NM_001283009.2 (MANE Select); coding-DNA position 723, C replaced by A.
Protein change: p.Asp241Glu; replaces aspartic acid 241 with glutamic acid.
Molecular consequence: missense variant. On other transcripts: non-coding transcript variant (1).
Genome position (GRCh38, 1-based): chr20:63,672,579, C>A. VCF-style: chr20-63672579-C-A. GRCh37 (hg19) VCF-style: chr20-62303932-C-A.
Other names: c.54C>A, p.Asp18Glu (NM_001283010.1); c.723C>A, p.Asp241Glu (NM_016434.4); c.795C>A, p.Asp265Glu (NM_032957.5); short protein forms D241E, D18E, D265E.
Identifiers: ClinVar variation 3436050 (VCV003436050.1).